The following is an entry in ClinVar:

ClinVar aggregate classification (germline): Likely benign. Review status: reviewed by expert panel (3 of 4 stars). 7 submissions from 7 submitters: Likely benign (1). 6 of the submissions do not count toward it. Last evaluated 2025-03-12.

Conditions:
Usher syndrome. Also called: Usher's syndrome; Usher Syndromes. Identifiers: Orphanet 886, MedGen CN469326, MeSH D052245, MONDO:0019501. Disease mechanism: loss of function.
USH2A-related disorder. Also called: USH2A-related condition; USH2A-related disorders. Identifiers: MedGen CN239332.

Allele frequency attached by ClinVar (database versions not stated): 1000 Genomes Project 30x 0.00078; 1000 Genomes Project 0.00080; ESP Exome Variant Server 0.00085; gnomAD 0.00092 and 0.00098; TOPMed 0.00120.
gnomAD v4.1: 276 of 1,614,152 alleles (0.017%); highest among the groups gnomAD compares: African/African-American, 0.34%; 2 homozygotes.

Submissions (7):

ClinGen Hearing Loss Variant Curation Expert Panel
Classification: Likely benign for Usher syndrome. Last evaluated: 2025-03-12. Review status: reviewed by expert panel. Criteria: Clingen Hl Acmg Specifications Cdh23 Coch Gjb2 Kcnq4 Myo6 Myo7a Slc26a4 Tecta Ush2a V2. Collection method: curation. Allele origin: germline. Inheritance: Autosomal recessive inheritance.
Comment: The variant NM_206933.4: c.15494C>G in USH2A is a missense variant predicted to cause substitution of alanine by glycine at amino acid 5165 (p.Ala5165Gly). The highest MAF in gnomAD v4.1 is 0.3091% (256/75052) in the African/African American population which is a higher frequency than would be expected for an autosomal recessive pathogenic variant based on the thresholds defined by the ClinGen Hearing Loss Expert Panel (BS1). The computational predictor REVEL gives a score of 0.03 which is below the threshold of 0.15, evidence that does not predict a damaging effect on USH2A function (BP4). In summary, this variant meets criteria to be classified as likely benign based on the ACMG/AMP criteria applied:BS1, BP4 (ClinGen Hearing Loss VCEP specifications version 2; 3/12/2025).

Labcorp Genetics (formerly Invitae), Labcorp
Classification: Likely benign. Last evaluated: 2025-12-29. Review status: criteria provided, single submitter. Criteria: Invitae Variant Classification Sherloc (09022015). Collection method: clinical testing. Allele origin: germline. Not counted in ClinVar's aggregate classification.

Blueprint Genetics
Classification: Likely benign. Last evaluated: 2023-06-19. Review status: criteria provided, single submitter. Criteria: ACMG Guidelines, 2015. Collection method: clinical testing. Allele origin: germline. Not counted in ClinVar's aggregate classification.

GeneDx
Classification: Uncertain significance. Last evaluated: 2021-08-30. Review status: criteria provided, single submitter. Criteria: GeneDx Variant Classification Process June 2021. Collection method: clinical testing. Allele origin: germline. Affected: yes. Not counted in ClinVar's aggregate classification.
Comment: In silico analysis supports that this missense variant does not alter protein structure/function; Has not been previously published as pathogenic or benign to our knowledge

Eurofins Ntd Llc (ga)
Classification: Uncertain significance. Last evaluated: 2015-07-24. Review status: criteria provided, single submitter. Criteria: EGL Classification Definitions 2015. Collection method: clinical testing. Allele origin: germline. Observed: 3 variant alleles, 3 heterozygotes. Not counted in ClinVar's aggregate classification.

Breakthrough Genomics
Classification: Likely benign. Review status: criteria provided, single submitter. Criteria: ACMG Guidelines, 2015. Collection method: not provided. Allele origin: germline. Inheritance: Autosomal recessive inheritance. Affected: yes. Not counted in ClinVar's aggregate classification.

PreventionGenetics, part of Exact Sciences
Classification: Likely benign for USH2A-related condition. Last evaluated: 2023-03-28. Review status: no assertion criteria provided. Collection method: clinical testing. Allele origin: germline. Not counted in ClinVar's aggregate classification.
Comment: This variant is classified as likely benign based on ACMG/AMP sequence variant interpretation guidelines (Richards et al. 2015 PMID: 25741868, with internal and published modifications).

NM_206933.4(USH2A):c.15494C>G (p.Ala5165Gly)

Gene: USH2A (usherin; minus strand). Cytogenetic location: 1q41.
Variant type: single nucleotide variant.
Coding change: c.15494C>G on transcript NM_206933.4 (MANE Select); coding-DNA position 15494, C replaced by G.
Protein change: p.Ala5165Gly; replaces alanine 5165 with glycine.
Molecular consequence: missense variant.
Genome position (GRCh38, 1-based): chr1:215,628,839, G>C on the plus strand (C>G on the coding strand, the complement: USH2A is on the minus strand). VCF-style: chr1-215628839-G-C. GRCh37 (hg19) VCF-style: chr1-215802181-G-C.
Other names: NM_206933.2(USH2A):c.15494C>G(p.Ala5165Gly); NM_206933.2(USH2A):c.15494C>G; NM_206933.4(USH2A):c.15494C>G; short protein forms A5165G.
Identifiers: ClinVar variation 282144 (VCV000282144.25), dbSNP rs146892520, ClinGen allele CA1392668.